The following is an entry in ClinVar:

NM_031844.3(HNRNPU):c.364G>A (p.Glu122Lys)

Gene: HNRNPU (heterogeneous nuclear ribonucleoprotein U; minus strand). Cytogenetic location: 1q44.
Variant type: single nucleotide variant.
Coding change: c.364G>A on transcript NM_031844.3 (MANE Select); coding-DNA position 364, G replaced by A.
Protein change: p.Glu122Lys; replaces glutamic acid 122 with lysine.
Molecular consequence: missense variant.
Genome position (GRCh38, 1-based): chr1:244,863,944, C>T on the plus strand (G>A on the coding strand, the complement: HNRNPU is on the minus strand). VCF-style: chr1-244863944-C-T. GRCh37 (hg19) VCF-style: chr1-245027246-C-T.
Other names: c.364G>A, p.Glu122Lys (NM_004501.3); short protein forms E122K.
Identifiers: ClinVar variation 4703019 (VCV004703019.1).

ClinVar aggregate classification (germline): Uncertain significance (1 of 4 stars; one submission).

Conditions:
Developmental and epileptic encephalopathy, 54. Also called: HNRNPU-Related Neurodevelopmental Disorder; Epileptic encephalopathy, early infantile, 54. Identifiers: MedGen C4479319, MONDO:0033363, OMIM 617391.

Submission:

Labcorp Genetics (formerly Invitae), Labcorp
Classification: Uncertain significance for Developmental and epileptic encephalopathy, 54. Last evaluated: 2025-03-23. Review status: criteria provided, single submitter. Criteria: Invitae Variant Classification Sherloc (09022015). Collection method: clinical testing. Allele origin: germline.
Comment: This sequence change replaces glutamic acid, which is acidic and polar, with lysine, which is basic and polar, at codon 122 of the HNRNPU protein (p.Glu122Lys). This variant is not present in population databases (gnomAD no frequency). This variant has not been reported in the literature in individuals affected with HNRNPU-related conditions. Invitae Evidence Modeling of protein sequence and biophysical properties (such as structural, functional, and spatial information, amino acid conservation, physicochemical variation, residue mobility, and thermodynamic stability) indicates that this missense variant is not expected to disrupt HNRNPU protein function with a negative predictive value of 95%. In summary, the available evidence is currently insufficient to determine the role of this variant in disease. Therefore, it has been classified as a Variant of Uncertain Significance.